The following is an entry in ClinVar:

ClinVar aggregate classification (germline): Uncertain significance (1 of 4 stars; one submission).

Conditions:
FREM2-related disorder. Also called: FREM2-related condition.

Submission:

PreventionGenetics, part of Exact Sciences
Classification: Uncertain significance for FREM2-related condition. Last evaluated: 2026-06-25. Review status: criteria provided, single submitter. Criteria: ACMG Guidelines, 2015. Collection method: clinical testing. Allele origin: germline.
Comment: The FREM2 c.8409+3_8409+6delAAGT variant is predicted to result in an intronic deletion. To our knowledge, this variant has not been reported in the literature or in a large population database (gnomAD), indicating this variant is rare. This variant is predicted to alter splicing based on available splicing prediction programs (SpliceAI, Jaganathan et al. 2019. PubMed ID: 30661751). Although we suspect that this variant may be pathogenic, at this time, the clinical significance of this variant is uncertain due to the absence of conclusive functional and genetic evidence.

NM_207361.6(FREM2):c.8409+3_8409+6del

Gene: FREM2 (FRAS1 related extracellular matrix 2; plus strand). Cytogenetic location: 13q13.3.
Variant type: Deletion.
Coding change: c.8409+3_8409+6del on transcript NM_207361.6 (MANE Select); bases 3 to 6 of the intron after coding-DNA position 8409, 4 bases deleted (AAGT; older notation c.8409+3_8409+6delAAGT).
Molecular consequence: splice donor variant.
Genome position (GRCh38, 1-based): chr13:38,876,152-38,876,155, AAGT deleted; deleting any 4 consecutive bases within chr13:38,876,150-38,876,155 gives the same sequence; the c. name uses the placement nearest the transcript's 3' end. VCF-style (leftmost placement, unchanged base first): chr13-38876149-CGTAA-C. GRCh37 (hg19) VCF-style: chr13-39450286-CGTAA-C.
Identifiers: ClinVar variation 4988396 (VCV004988396.1).
Genomic context (GRCh38, chr13:38,876,149, plus strand): 5'-AAGGAGTGAACCAACCTATAACCAGCCAGTACAGCAGTGGAGCTTTGTCTCTGACTTTGC[CGTAA>C]GTGACTAAGACTCTTAATTAATTTTCTTCTGCTGCTGCCATCTGATTACACCTCAGATTT-3'